The following is an entry in ClinVar:

NM_001017995.3(SH3PXD2B):c.*1159C>T

Gene: SH3PXD2B (SH3 and PX domains 2B; minus strand). Cytogenetic location: 5q35.1.
Variant type: single nucleotide variant.
Coding change: c.*1159C>T on transcript NM_001017995.3 (MANE Select); 1159 bases downstream of the stop codon, C replaced by T.
Molecular consequence: 3 prime UTR variant. On other transcripts: intron variant (1).
Genome position (GRCh38, 1-based): chr5:172,337,210, G>A on the plus strand (C>T on the coding strand, the complement: SH3PXD2B is on the minus strand). VCF-style: chr5-172337210-G-A. GRCh37 (hg19) VCF-style: chr5-171764214-G-A.
Other names: c.1188+8926C>T (NM_001308175.2).
Identifiers: ClinVar variation 352778 (VCV000352778.5), dbSNP rs7701410, ClinGen allele CA10624044.

ClinVar aggregate classification (germline): Benign (1 of 4 stars; one submission).

Conditions:
Frank-Ter Haar syndrome. Also called: BORRONE DERMATOCARDIOSKELETAL SYNDROME; TER HAAR SYNDROME; MELNICK-NEEDLES SYNDROME, AUTOSOMAL RECESSIVE; Borrone di Rocco Crovato syndrome. Identifiers: Orphanet 1266, Orphanet 137834, MedGen C1855305, MONDO:0009579, OMIM 249420.

Allele frequency attached by ClinVar (database versions not stated): gnomAD exomes 0.06199; gnomAD 0.13199 and 0.13794; TOPMed 0.13837; 1000 Genomes Project 0.14117.
gnomAD v4.1: 71,798 of 985,252 alleles (7.3%); highest among the groups gnomAD compares: African/African-American, 31%; 4,374 homozygotes.

Submission:

Illumina Laboratory Services, Illumina
Classification: Benign for Frank-Ter Haar syndrome. Last evaluated: 2018-01-13. Review status: criteria provided, single submitter. Criteria: ICSL Variant Classification Criteria 13 December 2019. Collection method: clinical testing. Allele origin: germline.
Comment: This variant was observed in the ICSL laboratory as part of a predisposition screen in an ostensibly healthy population. It had not been previously curated by ICSL or reported in the Human Gene Mutation Database (HGMD: prior to June 1st, 2018), and was therefore a candidate for classification through an automated scoring system. Utilizing variant allele frequency, disease prevalence and penetrance estimates, and inheritance mode, an automated score was calculated to assess if this variant is too frequent to cause the disease. Based on the score and internal cut-off values, a variant classified as benign is not then subjected to further curation. The score for this variant resulted in a classification of benign for this disease.